The following is an entry in ClinVar:

NM_020163.3(SEMA3G):c.1412C>G (p.Ala471Gly)

Gene: SEMA3G (semaphorin 3G; minus strand). Cytogenetic location: 3p21.1.
Variant type: single nucleotide variant.
Coding change: c.1412C>G on transcript NM_020163.3 (MANE Select); coding-DNA position 1412, C replaced by G.
Protein change: p.Ala471Gly; replaces alanine 471 with glycine.
Molecular consequence: missense variant.
Genome position (GRCh38, 1-based): chr3:52,439,735, G>C on the plus strand (C>G on the coding strand, the complement: SEMA3G is on the minus strand). VCF-style: chr3-52439735-G-C. GRCh37 (hg19) VCF-style: chr3-52473751-G-C.
Other names: short protein forms A471G.
Identifiers: ClinVar variation 3348908 (VCV003348908.1).

ClinVar aggregate classification (germline): Uncertain significance (0 of 4 stars; one submission).

Conditions:
SEMA3G-related disorder. Also called: SEMA3G-related condition.

Submission:

PreventionGenetics, part of Exact Sciences
Classification: Uncertain significance for SEMA3G-related condition. Last evaluated: 2024-02-12. Review status: no assertion criteria provided. Collection method: clinical testing. Allele origin: germline.
Comment: The SEMA3G c.1412C>G variant is predicted to result in the amino acid substitution p.Ala471Gly. To our knowledge, this variant has not been reported in the literature or in a large population database, indicating this variant is rare. At this time, the clinical significance of this variant is uncertain due to the absence of conclusive functional and genetic evidence.